The following is an entry in ClinVar:

NM_000069.3(CACNA1S):c.766A>G (p.Ile256Val)

Gene: CACNA1S (calcium voltage-gated channel subunit alpha1 S; minus strand). Cytogenetic location: 1q32.1.
Variant type: single nucleotide variant.
Coding change: c.766A>G on transcript NM_000069.3 (MANE Select); coding-DNA position 766, A replaced by G.
Protein change: p.Ile256Val; replaces isoleucine 256 with valine.
Molecular consequence: missense variant.
Genome position (GRCh38, 1-based): chr1:201,089,392, T>C on the plus strand (A>G on the coding strand, the complement: CACNA1S is on the minus strand). VCF-style: chr1-201089392-T-C. GRCh37 (hg19) VCF-style: chr1-201058520-T-C.
Other names: short protein forms I256V.
Identifiers: ClinVar variation 876796 (VCV000876796.16), dbSNP rs190152688, ClinGen allele CA083995.

ClinVar aggregate classification (germline): Conflicting classifications of pathogenicity. Review status: criteria provided, conflicting classifications (1 of 4 stars). 5 submissions from 5 submitters: Uncertain significance (2); Benign (2); Likely benign (1). Last evaluated 2025-07-29.

Conditions:
Hypokalemic periodic paralysis, type 1. Also called: Hypokalemic Periodic Paralysis Type 1 (AD); HypoPP. Identifiers: Orphanet 681, MedGen C3714580, MONDO:0042979, OMIM 170400.
Malignant hyperthermia, susceptibility to, 5 (MHS5). Also called: CACNA1S-Related Malignant Hyperthermia Susceptibility. Identifiers: Orphanet 423, MedGen C1866077, MONDO:0011163, OMIM 601887.
Thyrotoxic periodic paralysis, susceptibility to, 1 (TTPP1). Identifiers: Orphanet 79102, MedGen C2749982, MONDO:0008570, OMIM 188580.

Allele frequency attached by ClinVar (database versions not stated): gnomAD 0.00001 and 0.00003; ExAC 0.00003; gnomAD exomes 0.00004 and 0.00008; TOPMed 0.00005; 1000 Genomes Project 30x 0.00016; 1000 Genomes Project 0.00020.
gnomAD v4.1: 59 of 1,614,212 alleles (0.0037%); highest among the groups gnomAD compares: East Asian, 0.13%; no homozygotes.

Submissions (5):

Color Diagnostics, LLC DBA Color Health
Classification: Likely benign for Malignant hyperthermia, susceptibility to, 5. Last evaluated: 2025-07-29. Review status: criteria provided, single submitter. Criteria: ACMG Guidelines, 2015. Collection method: clinical testing. Allele origin: germline.

Labcorp Genetics (formerly Invitae), Labcorp
Classification: Benign for Hypokalemic periodic paralysis, type 1; Malignant hyperthermia, susceptibility to, 5. Last evaluated: 2024-10-05. Review status: criteria provided, single submitter. Criteria: Invitae Variant Classification Sherloc (09022015). Collection method: clinical testing. Allele origin: germline.

Women's Health and Genetics/Laboratory Corporation of America, LabCorp
Classification: Benign. Last evaluated: 2023-06-30. Review status: criteria provided, single submitter. Criteria: LabCorp Variant Classification Summary - May 2015. Collection method: clinical testing. Allele origin: germline.
Comment: Variant summary: CACNA1S c.766A>G (p.Ile256Val) results in a conservative amino acid change located in the Ion transport domain (IPR005821) of the encoded protein sequence. Three of five in-silico tools predict a damaging effect of the variant on protein function. The variant allele was found at a frequency of 7.6e-05 in 251136 control chromosomes (gnomAD), predominantly at a frequency of 0.001 within the East Asian subpopulation in the gnomAD database. The observed variant frequency within East Asian control individuals in the gnomAD database is approximately 800 fold of the estimated maximal expected allele frequency for a pathogenic variant in CACNA1S causing Hypokalemic Periodic Paralysis (1.3e-06), strongly suggesting that the variant is a benign polymorphism found primarily in populations of East Asian origin. To our knowledge, no occurrence of c.766A>G in individuals affected with Hypokalemic Periodic Paralysis and no experimental evidence demonstrating its impact on protein function have been reported. Three ClinVar submitters have assessed the variant since 2014: two classified the variant as uncertain significance and one as benign. Based on the evidence outlined above, the variant was classified as benign.

Fulgent Genetics
Classification: Uncertain significance for Hypokalemic periodic paralysis, type 1; Thyrotoxic periodic paralysis, susceptibility to, 1; Malignant hyperthermia, susceptibility to, 5. Last evaluated: 2022-03-09. Review status: criteria provided, single submitter. Criteria: ACMG Guidelines, 2015. Collection method: clinical testing. Allele origin: unknown.

Illumina Laboratory Services, Illumina
Classification: Uncertain significance for Hypokalemic periodic paralysis, type 1. Last evaluated: 2018-01-13. Review status: criteria provided, single submitter. Criteria: ICSL Variant Classification Criteria 13 December 2019. Collection method: clinical testing. Allele origin: germline.